The following is an entry in ClinVar:

NM_015909.4(NBAS):c.4220_4230del (p.Leu1407fs)

Gene: NBAS (NBAS subunit of NRZ tethering complex; minus strand). Cytogenetic location: 2p24.3.
Variant type: Deletion.
Coding change: c.4220_4230del on transcript NM_015909.4 (MANE Select); coding-DNA positions 4220 to 4230, 11 bases deleted (TGCGCTGGACC).
Protein change: p.Leu1407fs; shifts the reading frame from leucine 1407.
Molecular consequence: frameshift variant. On other transcripts: non-coding transcript variant (1).
Genome position (GRCh38, 1-based): chr2:15,330,715-15,330,725, GGTCCAGCGCA deleted on the plus strand (TGCGCTGGACC on the coding strand, the reverse complement: NBAS is on the minus strand). VCF-style (leftmost placement, unchanged base first): chr2-15330714-TGGTCCAGCGCA-T. GRCh37 (hg19) VCF-style: chr2-15470838-TGGTCCAGCGCA-T.
Other names: short protein forms L1407fs.
Identifiers: ClinVar variation 1456537 (VCV001456537.6), dbSNP rs777057475, ClinGen allele CA1535730.
Genomic context (GRCh38, chr2:15,330,714, plus strand): 5'-CCTGCAGCACCGCTTTGGTGGTGGTTGTGGTGTTGGAAAGGACTTTCATGGTGGTAGCAG[TGGTCCAGCGCA>T]ATAGGTCAGCTGAATTGCTACCTGGAACACCTACTTCATCCTGTATTAAAGAAACAAAAT-3'

ClinVar aggregate classification (germline): Pathogenic (1 of 4 stars; one submission).

Allele frequency attached by ClinVar (database versions not stated): gnomAD exomes below 0.00001; TOPMed below 0.00001; ExAC 0.00001; ESP Exome Variant Server 0.00008.

Submission:

Labcorp Genetics (formerly Invitae), Labcorp
Classification: Pathogenic. Last evaluated: 2025-08-15. Review status: criteria provided, single submitter. Criteria: Invitae Variant Classification Sherloc (09022015). Collection method: clinical testing. Allele origin: germline.
Comment: This sequence change creates a premature translational stop signal (p.Leu1407Tyrfs*24) in the NBAS gene. It is expected to result in an absent or disrupted protein product. Loss-of-function variants in NBAS are known to be pathogenic (PMID: 26073778, 26541327, 27789416, 28031453). This variant is present in population databases (rs777057475, gnomAD 0.007%). This variant has not been reported in the literature in individuals affected with NBAS-related conditions. ClinVar contains an entry for this variant (Variation ID: 1456537). For these reasons, this variant has been classified as Pathogenic.

Literature cited by the submitters: PubMed 26073778; PubMed 26541327; PubMed 27789416; PubMed 28031453.